The following is an entry in ClinVar:

ClinVar aggregate classification (germline): Uncertain significance (1 of 4 stars; one submission).

Allele frequency attached by ClinVar (database versions not stated): TOPMed below 0.00001; ESP Exome Variant Server 0.00008.
gnomAD v4.1: 4 of 1,613,132 alleles (0.00025%); highest among the groups gnomAD compares: Non-Finnish European, 0.00025%; no homozygotes.

Submission:

CeGaT Center for Human Genetics Tuebingen
Classification: Uncertain significance. Last evaluated: 2023-07-01. Review status: criteria provided, single submitter. Criteria: CeGaT Center For Human Genetics Tuebingen Variant Classification Criteria Version 2. Collection method: clinical testing. Allele origin: germline. Affected: yes. Observed: 1 variant allele.
Comment: MEI1: PM2

NM_152513.4(MEI1):c.3292C>T (p.Arg1098Ter)

Gene: MEI1 (meiotic double-stranded break formation protein 1; plus strand). Cytogenetic location: 22q13.2.
Variant type: single nucleotide variant.
Coding change: c.3292C>T on transcript NM_152513.4 (MANE Select); coding-DNA position 3292, C replaced by T.
Protein change: p.Arg1098Ter; replaces arginine 1098 with a stop codon.
Molecular consequence: nonsense.
Genome position (GRCh38, 1-based): chr22:41,784,730, C>T. VCF-style: chr22-41784730-C-T. GRCh37 (hg19) VCF-style: chr22-42180734-C-T.
Other names: short protein forms R1098*.
Identifiers: ClinVar variation 2578924 (VCV002578924.25), dbSNP rs372447858, ClinGen allele CA324617608.